The following is an entry in ClinVar:

NM_002907.4(RECQL):c.1620del (p.Asp541fs)

Gene: RECQL (RecQ like helicase; minus strand). Cytogenetic location: 12p12.1.
Variant type: Deletion.
Coding change: c.1620del on transcript NM_002907.4 (MANE Select); coding-DNA position 1620, one base deleted (A; older notation c.1620delA).
Protein change: p.Asp541fs; shifts the reading frame from aspartic acid 541.
Molecular consequence: frameshift variant.
Genome position (GRCh38, 1-based): chr12:21,471,475, T deleted on the plus strand (A on the coding strand, the reverse complement: RECQL is on the minus strand); the first of 2 consecutive T bases (chr12:21,471,475-21,471,476); deleting either gives the same sequence. VCF-style (leftmost placement, unchanged base first): chr12-21471474-CT-C. GRCh37 (hg19) VCF-style: chr12-21624408-CT-C.
Other names: c.1620del, p.Asp541fs (NM_032941.3); short protein forms D541fs.
Identifiers: ClinVar variation 1776601 (VCV001776601.2), dbSNP rs2540320249, ClinGen allele CA2580085244.

ClinVar aggregate classification (germline): Uncertain significance (1 of 4 stars; one submission).

Submission:

Ambry Genetics
Classification: Uncertain significance. Last evaluated: 2022-01-03. Review status: criteria provided, single submitter. Criteria: Ambry Variant Classification Scheme 2023. Collection method: clinical testing. Allele origin: germline.
Comment: The c.1620delA variant, located in coding exon 12 of the RECQL gene, results from a deletion of one nucleotide at nucleotide position 1620, causing a translational frameshift with a predicted alternate stop codon (p.D541Ifs*10). This alteration is expected to result in premature protein truncation or nonsense-mediated mRNA decay. The evidence for this gene-disease relationship is limited; therefore, the clinical significance of this alteration is unclear.